The following is an entry in ClinVar:

ClinVar aggregate classification (germline): Uncertain significance. Review status: criteria provided, single submitter (1 of 4 stars). 2 submissions from 2 submitters: Uncertain significance (1). 1 of the submissions does not count toward it. Last evaluated 2017-11-18.

Conditions:
TTN-related disorder. Also called: TTN-related disorders; TTN-related condition; TTN-related disease.

Allele frequency attached by ClinVar (database versions not stated): gnomAD 0.00001 and 0.00002; TOPMed 0.00003.
gnomAD v4.1: 16 of 1,613,786 alleles (0.00099%); highest among the groups gnomAD compares: East Asian, 0.0067%; no homozygotes.

Submissions (2):

Eurofins Ntd Llc (ga)
Classification: Uncertain significance. Last evaluated: 2017-11-18. Review status: criteria provided, single submitter. Criteria: EGL Classification Definitions 2015. Collection method: clinical testing. Allele origin: germline. Observed: 3 variant alleles, 3 heterozygotes.

PreventionGenetics, part of Exact Sciences
Classification: Uncertain significance for TTN-related condition. Last evaluated: 2024-06-06. Review status: no assertion criteria provided. Collection method: clinical testing. Allele origin: germline. Not counted in ClinVar's aggregate classification.
Comment: The TTN c.87649C>T variant is predicted to result in the amino acid substitution p.Arg29217Cys. To our knowledge, this variant has not been reported in the literature or in a large population database, indicating this variant is rare. At this time, the clinical significance of this variant is uncertain due to the absence of conclusive functional and genetic evidence.

NM_001267550.2(TTN):c.87649C>T (p.Arg29217Cys)

Genes: TTN (titin; minus strand), TTN-AS1 (TTN antisense RNA 1; plus strand). Cytogenetic location: 2q31.2.
Variant type: single nucleotide variant.
Coding change: c.87649C>T on transcript NM_001267550.2 (MANE Select); coding-DNA position 87649, C replaced by T.
Protein change: p.Arg29217Cys; replaces arginine 29217 with cysteine.
Molecular consequence: missense variant.
Genome position (GRCh38, 1-based): chr2:178,557,705, G>A on the plus strand (C>T on the coding strand, the complement: TTN is on the minus strand). VCF-style: chr2-178557705-G-A. GRCh37 (hg19) VCF-style: chr2-179422432-G-A.
Other names: c.82726C>T, p.Arg27576Cys (NM_001256850.1); c.60454C>T, p.Arg20152Cys (NM_003319.4); c.60829C>T, p.Arg20277Cys (NM_133432.3); c.61030C>T, p.Arg20344Cys (NM_133437.4); c.79945C>T, p.Arg26649Cys (NM_133378.4); short protein forms R29217C, R27576C, R20277C, R20152C, R20344C.
Identifiers: ClinVar variation 96311 (VCV000096311.7), dbSNP rs398124459, ClinGen allele CA223985.
Genomic context (GRCh38, chr2:178,557,705, plus strand): 5'-TACTGTATGGTAGTTTGACAGTCACACAAGCTGAATCTATATGATCACTGATGCCAAAGC[G>A]GTTTTCTGCCTTGATGCGGAATTGGTATTCTTCTCCTGTGGTCAGTTTCATGACTTTCAT-3'
Protein context (NP_001254479.2, residues 29207-29227): EYQFRIKAEN[Arg29217Cys]FGISDHIDSA